The following is an entry in ClinVar:

NM_006939.4(SOS2):c.764_765del (p.Val255fs)

Gene: SOS2 (SOS Ras/Rho guanine nucleotide exchange factor 2; minus strand). Cytogenetic location: 14q21.3.
Variant type: Microsatellite.
Coding change: c.764_765del on transcript NM_006939.4 (MANE Select); coding-DNA positions 764 to 765, 2 bases deleted (TG; older notation c.764_765delTG).
Protein change: p.Val255fs; shifts the reading frame from valine 255.
Molecular consequence: frameshift variant.
Genome position (GRCh38, 1-based): chr14:50,182,556-50,182,557, CA deleted on the plus strand (TG on the coding strand, the reverse complement: SOS2 is on the minus strand); deleting any 2 consecutive bases within chr14:50,182,556-50,182,559 gives the same sequence; the c. name uses the placement nearest the transcript's 3' end. VCF-style (leftmost placement, unchanged base first): chr14-50182555-TCA-T. GRCh37 (hg19) VCF-style: chr14-50649273-TCA-T.
Other names: c.764_765del, p.Val255fs (NM_001411020.1); short protein forms V255fs.
Identifiers: ClinVar variation 3646124 (VCV003646124.2).
Genomic context (GRCh38, chr14:50,182,555, plus strand): 5'-AGGGATGAGGACTGCTTTCATCAGTCATTTCAACTGTGTCTTCAATCAAACCTAAAAGTT[TCA>T]CAGTCAATTCATGTATATCTGAAATGTTACTAAAAATCTTTTCGATATCCTGAAAAAAGA-3'

ClinVar aggregate classification (germline): Uncertain significance (1 of 4 stars; one submission).

Conditions:
Noonan syndrome 9 (NS9). Identifiers: Orphanet 648, MedGen C4225282, MONDO:0014691, OMIM 616559.

Submission:

Labcorp Genetics (formerly Invitae), Labcorp
Classification: Uncertain significance for Noonan syndrome 9. Last evaluated: 2024-02-05. Review status: criteria provided, single submitter. Criteria: Invitae Variant Classification Sherloc (09022015). Collection method: clinical testing. Allele origin: germline.
Comment: This sequence change creates a premature translational stop signal (p.Val255Glufs*7) in the SOS2 gene. It is expected to result in an absent or disrupted protein product. However, the current clinical and genetic evidence is not sufficient to establish whether loss-of-function variants in SOS2 cause disease. This variant is not present in population databases (gnomAD no frequency). This variant has not been reported in the literature in individuals affected with SOS2-related conditions. In summary, the available evidence is currently insufficient to determine the role of this variant in disease. Therefore, it has been classified as a Variant of Uncertain Significance.